The following is an entry in ClinVar:

ClinVar aggregate classification (germline): Uncertain significance (1 of 4 stars; one submission).

Conditions:
Cowden syndrome 6 (CWS6). Identifiers: Orphanet 201, MedGen C3554519, MONDO:0014048, OMIM 615109.

Allele frequency attached by ClinVar (database versions not stated): TOPMed 0.00011; gnomAD exomes 0.00004 and 0.00001; gnomAD 0.00005; ESP Exome Variant Server 0.00008; ExAC 0.00002.
gnomAD v4.1: 28 of 1,613,742 alleles (0.0017%); highest among the groups gnomAD compares: Admixed American, 0.018%; no homozygotes.

Submission:

Labcorp Genetics (formerly Invitae), Labcorp
Classification: Uncertain significance for Cowden syndrome 6. Last evaluated: 2025-11-24. Review status: criteria provided, single submitter. Criteria: Invitae Variant Classification Sherloc (09022015). Collection method: clinical testing. Allele origin: germline.
Comment: This sequence change replaces glycine, which is neutral and non-polar, with serine, which is neutral and polar, at codon 410 of the AKT1 protein (p.Gly410Ser). This variant is present in population databases (rs146483593, gnomAD 0.02%). This variant has not been reported in the literature in individuals affected with AKT1-related conditions. ClinVar contains an entry for this variant (Variation ID: 240105). An algorithm developed to predict the effect of missense changes on protein structure and function outputs the following: PolyPhen-2: "Benign". The serine amino acid residue is found in multiple mammalian species, which suggests that this missense change does not adversely affect protein function. In summary, the available evidence is currently insufficient to determine the role of this variant in disease. Therefore, it has been classified as a Variant of Uncertain Significance.

NM_001382430.1(AKT1):c.1228G>A (p.Gly410Ser)

Gene: AKT1 (AKT serine/threonine kinase 1; minus strand). Cytogenetic location: 14q32.33.
Variant type: single nucleotide variant.
Coding change: c.1228G>A on transcript NM_001382430.1 (MANE Select); coding-DNA position 1228, G replaced by A.
Protein change: p.Gly410Ser; replaces glycine 410 with serine.
Molecular consequence: missense variant.
Genome position (GRCh38, 1-based): chr14:104,772,397, C>T on the plus strand (G>A on the coding strand, the complement: AKT1 is on the minus strand). VCF-style: chr14-104772397-C-T. GRCh37 (hg19) VCF-style: chr14-105238734-C-T.
Other names: c.1228G>A, p.Gly410Ser (NM_001014431.2, NM_001014432.2, NM_001382431.1 and 3 more transcripts); short protein forms G410S.
Identifiers: ClinVar variation 240105 (VCV000240105.8), dbSNP rs146483593, ClinGen allele CA7374522.